The following is an entry in ClinVar:

ClinVar aggregate classification (germline): Likely benign. Review status: criteria provided, multiple submitters, no conflicts (2 of 4 stars). 3 submissions from 3 submitters: Likely benign (2). 1 of the submissions does not count toward it. Last evaluated 2024-12-01.

Conditions:
Familial renal glucosuria (GLYS). Also called: RENAL GLUCOSURIA, AUTOSOMAL DOMINANT; Familial renal glycosuria. Identifiers: Orphanet 69076, MedGen C3245525, MONDO:0009297, OMIM 233100.
SLC5A2-related disorder. Also called: SLC5A2-related condition.

Allele frequency attached by ClinVar (database versions not stated): gnomAD 0.00001 and 0.00011; TOPMed 0.00003; gnomAD exomes 0.00025 and 0.00042; ExAC 0.00048; 1000 Genomes Project 0.00100; 1000 Genomes Project 30x 0.00109.
gnomAD v4.1: 367 of 1,613,932 alleles (0.023%); highest among the groups gnomAD compares: South Asian, 0.4%; 3 homozygotes.

Submissions (3):

CeGaT Center for Human Genetics Tuebingen
Classification: Likely benign. Last evaluated: 2024-12-01. Review status: criteria provided, single submitter. Criteria: CeGaT Center For Human Genetics Tuebingen Variant Classification Criteria Version 2. Collection method: clinical testing. Allele origin: germline. Affected: yes. Observed: 1 variant allele.
Comment: SLC5A2: BP4

Illumina Laboratory Services, Illumina
Classification: Likely benign for Familial renal glucosuria. Last evaluated: 2018-01-12. Review status: criteria provided, single submitter. Criteria: ICSL Variant Classification Criteria 13 December 2019. Collection method: clinical testing. Allele origin: germline.
Comment: This variant was observed in the ICSL laboratory as part of a predisposition screen in an ostensibly healthy population. It had not been previously curated by ICSL or reported in the Human Gene Mutation Database (HGMD: prior to June 1st, 2018), and was therefore a candidate for classification through an automated scoring system. Utilizing variant allele frequency, disease prevalence and penetrance estimates, and inheritance mode, an automated score was calculated to assess if this variant is too frequent to cause the disease. Based on the score and internal cut-off values, a variant classified as likely benign is not then subjected to further curation. The score for this variant resulted in a classification of likely benign for this disease.

PreventionGenetics, part of Exact Sciences
Classification: Likely benign for SLC5A2-related condition. Last evaluated: 2019-07-19. Review status: no assertion criteria provided. Collection method: clinical testing. Allele origin: germline. Not counted in ClinVar's aggregate classification.
Comment: This variant is classified as likely benign based on ACMG/AMP sequence variant interpretation guidelines (Richards et al. 2015 PMID: 25741868, with internal and published modifications).

NM_003041.4(SLC5A2):c.1926C>T (p.Asp642=)

Genes: RUSF1 (RUS family member 1; minus strand), SLC5A2 (solute carrier family 5 member 2; plus strand). Cytogenetic location: 16p11.2.
Variant type: single nucleotide variant.
Coding change: c.1926C>T on transcript NM_003041.4 (MANE Select); coding-DNA position 1926, C replaced by T.
Protein change: p.Asp642=; no amino-acid change (aspartic acid 642 retained).
Molecular consequence: synonymous variant. On other transcripts: 3 prime UTR variant (1), non-coding transcript variant (1).
Genome position (GRCh38, 1-based): chr16:31,490,442, C>T. VCF-style: chr16-31490442-C-T. GRCh37 (hg19) VCF-style: chr16-31501763-C-T.
Other names: c.*393G>A (NM_022744.4).
Identifiers: ClinVar variation 319081 (VCV000319081.20), dbSNP rs557690622, ClinGen allele CA8031384.